The following is an entry in ClinVar:

ClinVar aggregate classification (germline): Uncertain significance (1 of 4 stars; one submission).

Conditions:
Tay-Sachs disease (TSD). Also called: HEXA Disorders; HEXA DEFICIENCY; GM2 gangliosidosis, type 1; Hexosaminidase alpha-subunit deficiency (variant B); Sphingolipidosis, Tay-Sachs; Hexosaminidase A Deficiency. Identifiers: Orphanet 845, MedGen C0039373, MONDO:0010100, OMIM 272800.

gnomAD v4.1: 1 of 1,614,138 alleles (0.000062%); highest among the groups gnomAD compares: Non-Finnish European, 0.000085%; no homozygotes.

Submission:

Labcorp Genetics (formerly Invitae), Labcorp
Classification: Uncertain significance for Tay-Sachs disease. Last evaluated: 2022-08-08. Review status: criteria provided, single submitter. Criteria: Invitae Variant Classification Sherloc (09022015). Collection method: clinical testing. Allele origin: germline.
Comment: This sequence change replaces alanine, which is neutral and non-polar, with glycine, which is neutral and non-polar, at codon 20 of the HEXA protein (p.Ala20Gly). This variant is not present in population databases (gnomAD no frequency). This variant has not been reported in the literature in individuals affected with HEXA-related conditions. Algorithms developed to predict the effect of missense changes on protein structure and function are either unavailable or do not agree on the potential impact of this missense change (SIFT: "Tolerated"; PolyPhen-2: "Not Available"; Align-GVGD: "Class C0"). In summary, the available evidence is currently insufficient to determine the role of this variant in disease. Therefore, it has been classified as a Variant of Uncertain Significance.

NM_000520.6(HEXA):c.59C>G (p.Ala20Gly)

Gene: HEXA (hexosaminidase subunit alpha; minus strand). Cytogenetic location: 15q23.
Variant type: single nucleotide variant.
Coding change: c.59C>G on transcript NM_000520.6 (MANE Select); coding-DNA position 59, C replaced by G.
Protein change: p.Ala20Gly; replaces alanine 20 with glycine.
Molecular consequence: missense variant. On other transcripts: non-coding transcript variant (1).
Genome position (GRCh38, 1-based): chr15:72,375,914, G>C on the plus strand (C>G on the coding strand, the complement: HEXA is on the minus strand). VCF-style: chr15-72375914-G-C. GRCh37 (hg19) VCF-style: chr15-72668255-G-C.
Other names: c.59C>G, p.Ala20Gly (NM_001318825.2); short protein forms A20G.
Identifiers: ClinVar variation 1954548 (VCV001954548.2), dbSNP rs749545037, ClinGen allele CA393070702.